The following is an entry in ClinVar:

ClinVar aggregate classification (germline): Uncertain significance (1 of 4 stars; one submission).

Submission:

GeneDx
Classification: Uncertain significance. Last evaluated: 2017-03-20. Review status: criteria provided, single submitter. Criteria: GeneDx Variant Classification (06012015). Collection method: clinical testing. Allele origin: germline. Affected: yes.
Comment: The A302G variant in the SYN2 gene has not been reported previously as a pathogenic variant, nor as a benign variant, to our knowledge. This variant is not observed in large population cohorts (Lek et al., 2016; 1000 Genomes Consortium et al., 2015; Exome Variant Server). The A302G variant is a conservative amino acid substitution, which is not likely to impact secondary protein structure as these residues share similar properties. This substitution occurs at a position that is conserved in mammals. In silico analysis is inconsistent in its predictions as to whether or not the variant is damaging to the protein structure/function. We interpret A302G as a variant of uncertain significance.

NM_133625.6(SYN2):c.905C>G (p.Ala302Gly)

Gene: SYN2 (synapsin II; plus strand). Cytogenetic location: 3p25.2.
Variant type: single nucleotide variant.
Coding change: c.905C>G on transcript NM_133625.6 (MANE Select); coding-DNA position 905, C replaced by G.
Protein change: p.Ala302Gly; replaces alanine 302 with glycine.
Molecular consequence: missense variant.
Genome position (GRCh38, 1-based): chr3:12,162,079, C>G. VCF-style: chr3-12162079-C-G. GRCh37 (hg19) VCF-style: chr3-12203579-C-G.
Other names: c.905C>G, p.Ala302Gly (NM_003178.6); short protein forms A302G.
Identifiers: ClinVar variation 424195 (VCV000424195.2), dbSNP rs1064796852, ClinGen allele CA16617807.